The following is an entry in ClinVar:

ClinVar aggregate classification (germline): Uncertain significance (1 of 4 stars; one submission).

Submission:

Laboratorio de Genetica e Diagnostico Molecular, Hospital Israelita Albert Einstein
Classification: Uncertain significance. Last evaluated: 2021-05-10. Review status: criteria provided, single submitter. Criteria: ACMG Guidelines, 2015. Collection method: clinical testing. Allele origin: germline. Affected: yes.
Comment: ACMG classification criteria: PM2, PP2, BP4

NM_003011.4(SET):c.73+342G>C

Genes: SET (SET nuclear proto-oncogene; plus strand), LOC130002719 (ATAC-STARR-seq lymphoblastoid silent region 20348; plus strand). Cytogenetic location: 9q34.11.
Variant type: single nucleotide variant.
Coding change: c.73+342G>C on transcript NM_003011.4 (MANE Select); 342 bases into the intron after coding-DNA position 73, G replaced by C.
Molecular consequence: intron variant. On other transcripts: missense variant (1).
Genome position (GRCh38, 1-based): chr9:128,689,997, G>C. VCF-style: chr9-128689997-G-C. GRCh37 (hg19) VCF-style: chr9-131452276-G-C.
Other names: c.11G>C, p.Arg4Pro (NM_001248001.2); c.113-1173G>C (NM_001374326.1, NM_001122821.2); c.47-1173G>C (NM_001248000.2); short protein forms R4P.
Identifiers: ClinVar variation 1690635 (VCV001690635.2), dbSNP rs1423640750, ClinGen allele CA375058733.